The following is an entry in ClinVar:

NM_002048.3(GAS1):c.118C>G (p.Leu40Val)

Genes: GAS1 (growth arrest specific 1; minus strand), LOC130001973 (ATAC-STARR-seq lymphoblastoid silent region 19999; plus strand). Cytogenetic location: 9q21.33.
Variant type: single nucleotide variant.
Coding change: c.118C>G on transcript NM_002048.3 (MANE Select); coding-DNA position 118, C replaced by G.
Protein change: p.Leu40Val; replaces leucine 40 with valine.
Molecular consequence: missense variant.
Genome position (GRCh38, 1-based): chr9:86,946,662, G>C on the plus strand (C>G on the coding strand, the complement: GAS1 is on the minus strand). VCF-style: chr9-86946662-G-C. GRCh37 (hg19) VCF-style: chr9-89561577-G-C.
Other names: short protein forms L40V.
Identifiers: ClinVar variation 4771087 (VCV004771087.1).

ClinVar aggregate classification (germline): Uncertain significance (1 of 4 stars; one submission).

Submission:

Labcorp Genetics (formerly Invitae), Labcorp
Classification: Uncertain significance. Last evaluated: 2025-12-13. Review status: criteria provided, single submitter. Criteria: Invitae Variant Classification Sherloc (09022015). Collection method: clinical testing. Allele origin: germline.
Comment: This sequence change replaces leucine, which is neutral and non-polar, with valine, which is neutral and non-polar, at codon 40 of the GAS1 protein (p.Leu40Val). This variant is not present in population databases (gnomAD no frequency). This variant has not been reported in the literature in individuals affected with GAS1-related conditions. An algorithm developed to predict the effect of missense changes on protein structure and function (PolyPhen-2) suggests that this variant is likely to be tolerated. In summary, the available evidence is currently insufficient to determine the role of this variant in disease. Therefore, it has been classified as a Variant of Uncertain Significance.